The following is an entry in ClinVar:

NM_206933.4(USH2A):c.9740-17T>G

Gene: USH2A (usherin; minus strand). Cytogenetic location: 1q41.
Variant type: single nucleotide variant.
Coding change: c.9740-17T>G on transcript NM_206933.4 (MANE Select); 17 bases into the intron before coding-DNA position 9740, T replaced by G.
Molecular consequence: intron variant.
Genome position (GRCh38, 1-based): chr1:215,799,142, A>C on the plus strand (T>G on the coding strand, the complement: USH2A is on the minus strand). VCF-style: chr1-215799142-A-C. GRCh37 (hg19) VCF-style: chr1-215972484-A-C.
Identifiers: ClinVar variation 1447388 (VCV001447388.6), dbSNP rs2102778847, ClinGen allele CA2573131602.

ClinVar aggregate classification (germline): Uncertain significance (1 of 4 stars; one submission).

Allele frequency attached by ClinVar (database versions not stated): gnomAD exomes below 0.00001.
gnomAD v4.1: 1 of 1,607,922 alleles (0.000062%); no homozygotes.

Submission:

Labcorp Genetics (formerly Invitae), Labcorp
Classification: Uncertain significance. Last evaluated: 2022-08-19. Review status: criteria provided, single submitter. Criteria: Invitae Variant Classification Sherloc (09022015). Collection method: clinical testing. Allele origin: germline.
Comment: This sequence change falls in intron 49 of the USH2A gene. It does not directly change the encoded amino acid sequence of the USH2A protein. In summary, the available evidence is currently insufficient to determine the role of this variant in disease. Therefore, it has been classified as a Variant of Uncertain Significance. Algorithms developed to predict the effect of sequence changes on RNA splicing suggest that this variant may create or strengthen a splice site. ClinVar contains an entry for this variant (Variation ID: 1447388). This variant has been observed in individual(s) with retinitis pigmentosa (Invitae). In at least one individual the data is consistent with being in trans (on the opposite chromosome) from a pathogenic variant. This variant is not present in population databases (gnomAD no frequency).